The following is an entry in ClinVar:

NM_000032.5(ALAS2):c.706C>A (p.His236Asn)

Gene: ALAS2 (5'-aminolevulinate synthase 2; minus strand). Cytogenetic location: Xp11.21.
Variant type: single nucleotide variant.
Coding change: c.706C>A on transcript NM_000032.5 (MANE Select); coding-DNA position 706, C replaced by A.
Protein change: p.His236Asn; replaces histidine 236 with asparagine.
Molecular consequence: missense variant.
Genome position (GRCh38, 1-based): chrX:55,020,437, G>T on the plus strand (C>A on the coding strand, the complement: ALAS2 is on the minus strand). VCF-style: chrX-55020437-G-T. GRCh37 (hg19) VCF-style: chrX-55046870-G-T.
Other names: c.595C>A, p.His199Asn (NM_001037967.4); c.667C>A, p.His223Asn (NM_001037968.4); short protein forms H199N, H223N, H236N.
Identifiers: ClinVar variation 2838333 (VCV002838333.3), dbSNP rs2519586446, ClinGen allele CA413295194.

ClinVar aggregate classification (germline): Uncertain significance (1 of 4 stars; one submission).

Submission:

Labcorp Genetics (formerly Invitae), Labcorp
Classification: Uncertain significance. Last evaluated: 2024-01-01. Review status: criteria provided, single submitter. Criteria: Invitae Variant Classification Sherloc (09022015). Collection method: clinical testing. Allele origin: germline.
Comment: This sequence change replaces histidine, which is basic and polar, with asparagine, which is neutral and polar, at codon 236 of the ALAS2 protein (p.His236Asn). This variant is not present in population databases (gnomAD no frequency). This variant has not been reported in the literature in individuals affected with ALAS2-related conditions. Advanced modeling of protein sequence and biophysical properties (such as structural, functional, and spatial information, amino acid conservation, physicochemical variation, residue mobility, and thermodynamic stability) has been performed at Invitae for this missense variant, however the output from this modeling did not meet the statistical confidence thresholds required to predict the impact of this variant on ALAS2 protein function. In summary, the available evidence is currently insufficient to determine the role of this variant in disease. Therefore, it has been classified as a Variant of Uncertain Significance.